The following is an entry in ClinVar:

NM_014516.4(CNOT3):c.1037C>T (p.Pro346Leu)

Gene: CNOT3 (CCR4-NOT transcription complex subunit 3; plus strand). Cytogenetic location: 19q13.42.
Variant type: single nucleotide variant.
Coding change: c.1037C>T on transcript NM_014516.4 (MANE Select); coding-DNA position 1037, C replaced by T.
Protein change: p.Pro346Leu; replaces proline 346 with leucine.
Molecular consequence: missense variant. On other transcripts: non-coding transcript variant (2).
Genome position (GRCh38, 1-based): chr19:54,148,290, C>T. VCF-style: chr19-54148290-C-T. GRCh37 (hg19) VCF-style: chr19-54652025-C-T.
Other names: c.1040C>T, p.Pro347Leu (NM_001440653.1, NM_001440655.1, NM_001440657.1 and 3 more transcripts); c.1037C>T, p.Pro346Leu (NM_001440654.1, NM_001440656.1, NM_001440658.1 and 1 more transcripts); c.494C>T, p.Pro165Leu (NM_001440659.1, NM_001440660.1); short protein forms P165L, P346L, P347L.
Identifiers: ClinVar variation 4873650 (VCV004873650.2).

ClinVar aggregate classification (germline): Uncertain significance (1 of 4 stars; one submission).

Submission:

CeGaT Center for Human Genetics Tuebingen
Classification: Uncertain significance. Last evaluated: 2026-03-01. Review status: criteria provided, single submitter. Criteria: CeGaT Center For Human Genetics Tuebingen Variant Classification Criteria Version 2. Collection method: clinical testing. Allele origin: germline. Affected: yes. Observed: 1 variant allele.
Comment: CNOT3: PM2, BP4